The following is an entry in ClinVar:

ClinVar aggregate classification (germline): Uncertain significance (1 of 4 stars; one submission).

Submission:

GeneDx
Classification: Uncertain significance. Last evaluated: 2025-07-25. Review status: criteria provided, single submitter. Criteria: GeneDx Variant Classification Process June 2021. Collection method: clinical testing. Allele origin: germline. Affected: yes.
Comment: Not observed at significant frequency in large population cohorts (gnomAD); In silico analysis suggests that this missense variant does not alter protein structure/function; Has not been previously published as pathogenic or benign to our knowledge

NM_007192.4(SUPT16H):c.778G>C (p.Val260Leu)

Gene: SUPT16H (SPT16 homolog, facilitates chromatin remodeling subunit; minus strand). Cytogenetic location: 14q11.2.
Variant type: single nucleotide variant.
Coding change: c.778G>C on transcript NM_007192.4 (MANE Select); coding-DNA position 778, G replaced by C.
Protein change: p.Val260Leu; replaces valine 260 with leucine.
Molecular consequence: missense variant.
Genome position (GRCh38, 1-based): chr14:21,369,208, C>G on the plus strand (G>C on the coding strand, the complement: SUPT16H is on the minus strand). VCF-style: chr14-21369208-C-G. GRCh37 (hg19) VCF-style: chr14-21837367-C-G.
Other names: short protein forms V260L.
Identifiers: ClinVar variation 4687055 (VCV004687055.1).